The following is an entry in ClinVar:

NM_018990.4(SASH3):c.165T>C (p.Asp55=)

Gene: SASH3 (SAM and SH3 domain containing 3; plus strand). Cytogenetic location: Xq26.1.
Variant type: single nucleotide variant.
Coding change: c.165T>C on transcript NM_018990.4 (MANE Select); coding-DNA position 165, T replaced by C.
Protein change: p.Asp55=; no amino-acid change (aspartic acid 55 retained).
Molecular consequence: synonymous variant.
Genome position (GRCh38, 1-based): chrX:129,788,442, T>C. VCF-style: chrX-129788442-T-C. GRCh37 (hg19) VCF-style: chrX-128922418-T-C.
Identifiers: ClinVar variation 2661402 (VCV002661402.24), dbSNP rs373745394, ClinGen allele CA10513187.
Genomic context (GRCh38, chrX:129,788,442, plus strand): 5'-CCTAGGCAGGACCACCAGGGTCCCTGGATCGCCTCTTTTGTTGTCACAGATTCCAGAAGA[T>C]GACTCAGGTGTCCCCACCCCAGAAGATGCTGGGAAGAGTGGCAAAAAGCTGGGGAAGAAG-3'
Protein context (NP_061863.1, residues 45-65): EFNLDDNIPE[Asp55=]DSGVPTPEDA

ClinVar aggregate classification (germline): Likely benign (1 of 4 stars; one submission).

Allele frequency attached by ClinVar (database versions not stated): ExAC 0.00001; TOPMed 0.00002; gnomAD 0.00004; ESP Exome Variant Server 0.00009.

Submission:

CeGaT Center for Human Genetics Tuebingen
Classification: Likely benign. Last evaluated: 2023-01-01. Review status: criteria provided, single submitter. Criteria: CeGaT Center For Human Genetics Tuebingen Variant Classification Criteria Version 2. Collection method: clinical testing. Allele origin: germline. Affected: yes. Observed: 1 variant allele.
Comment: SASH3: BP4, BP7